The following is an entry in ClinVar:

NM_022041.4(GAN):c.904A>G (p.Asn302Asp)

Gene: GAN (gigaxonin; plus strand). Cytogenetic location: 16q23.2.
Variant type: single nucleotide variant.
Coding change: c.904A>G on transcript NM_022041.4 (MANE Select); coding-DNA position 904, A replaced by G.
Protein change: p.Asn302Asp; replaces asparagine 302 with aspartic acid.
Molecular consequence: missense variant.
Genome position (GRCh38, 1-based): chr16:81,357,862, A>G. VCF-style: chr16-81357862-A-G. GRCh37 (hg19) VCF-style: chr16-81391467-A-G.
Other names: c.265A>G, p.Asn89Asp (NM_001377486.1); short protein forms N89D, N302D.
Identifiers: ClinVar variation 955424 (VCV000955424.7), dbSNP rs201937723, ClinGen allele CA8191533.

ClinVar aggregate classification (germline): Uncertain significance (1 of 4 stars; one submission).

Conditions:
Giant axonal neuropathy 1 (GAN1). Also called: GAN-Related Neurodegeneration; GIANT AXONAL NEUROPATHY 1, AUTOSOMAL RECESSIVE. Identifiers: Orphanet 643, MedGen C1850386, MONDO:0009749, OMIM 256850.

Allele frequency attached by ClinVar (database versions not stated): gnomAD exomes below 0.00001; ExAC 0.00001; gnomAD 0.00001; TOPMed 0.00002; ESP Exome Variant Server 0.00008.
gnomAD v4.1: 8 of 1,613,330 alleles (0.0005%); highest among the groups gnomAD compares: Non-Finnish European, 0.00059%; no homozygotes.

Submission:

Labcorp Genetics (formerly Invitae), Labcorp
Classification: Uncertain significance for Giant axonal neuropathy 1. Last evaluated: 2021-08-30. Review status: criteria provided, single submitter. Criteria: Invitae Variant Classification Sherloc (09022015). Collection method: clinical testing. Allele origin: germline.
Comment: This sequence change replaces asparagine with aspartic acid at codon 302 of the GAN protein (p.Asn302Asp). The asparagine residue is highly conserved and there is a small physicochemical difference between asparagine and aspartic acid. This variant is present in population databases (rs201937723, ExAC 0.001%). This variant has not been reported in the literature in individuals affected with GAN-related conditions. Algorithms developed to predict the effect of missense changes on protein structure and function (SIFT, PolyPhen-2, Align-GVGD) all suggest that this variant is likely to be tolerated. In summary, the available evidence is currently insufficient to determine the role of this variant in disease. Therefore, it has been classified as a Variant of Uncertain Significance.